The following is an entry in ClinVar:

NM_004614.5(TK2):c.355del (p.Asp119fs)

Gene: TK2 (thymidine kinase 2; minus strand). Cytogenetic location: 16q21.
Variant type: Deletion.
Coding change: c.355del on transcript NM_004614.5 (MANE Select); coding-DNA position 355, one base deleted (G; older notation c.355delG).
Protein change: p.Asp119fs; shifts the reading frame from aspartic acid 119.
Molecular consequence: frameshift variant. On other transcripts: non-coding transcript variant (1).
Genome position (GRCh38, 1-based): chr16:66,531,400, C deleted on the plus strand (G on the coding strand, the reverse complement: TK2 is on the minus strand); the first of 2 consecutive C bases (chr16:66,531,400-66,531,401); deleting either gives the same sequence. VCF-style (leftmost placement, unchanged base first): chr16-66531399-TC-T. GRCh37 (hg19) VCF-style: chr16-66565302-TC-T.
Other names: c.262del, p.Asp88fs (NM_001172643.1, NM_001271935.1); c.280del, p.Asp94fs (NM_001172644.2); c.301del, p.Asp101fs (NM_001172645.2); c.208del, p.Asp70fs (NM_001271934.2); c.64del, p.Asp22fs (NM_001272050.2); short protein forms D101fs, D22fs, D70fs, D88fs, D119fs, D94fs.
Identifiers: ClinVar variation 2707265 (VCV002707265.3), dbSNP rs2507140681, ClinGen allele CA2697555890.

ClinVar aggregate classification (germline): Pathogenic (1 of 4 stars; one submission).

Submission:

Labcorp Genetics (formerly Invitae), Labcorp
Classification: Pathogenic. Last evaluated: 2024-01-16. Review status: criteria provided, single submitter. Criteria: Invitae Variant Classification Sherloc (09022015). Collection method: clinical testing. Allele origin: germline.
Comment: This sequence change creates a premature translational stop signal (p.Asp119Thrfs*13) in the TK2 gene. It is expected to result in an absent or disrupted protein product. Loss-of-function variants in TK2 are known to be pathogenic (PMID: 20421844). This variant is not present in population databases (gnomAD no frequency). This variant has not been reported in the literature in individuals affected with TK2-related conditions. For these reasons, this variant has been classified as Pathogenic.

Literature cited by the submitters: PubMed 20421844.